The following is an entry in ClinVar:

ClinVar aggregate classification (germline): Conflicting classifications of pathogenicity. Review status: criteria provided, conflicting classifications (1 of 4 stars). 16 submissions from 16 submitters: Uncertain significance (3); Benign (1); Likely benign (9). 3 of the submissions do not count toward it. Last evaluated 2026-09-08.

Conditions:
BRCA2-related cancer predisposition. Identifiers: MedGen CN377758, MONDO:0700269.
Hereditary breast ovarian cancer syndrome. Also called: Breast and ovarian cancer; Hereditary breast and ovarian cancer syndrome; BRCA1- and BRCA2-Associated Hereditary Breast and Ovarian Cancer; Hereditary breast and ovarian cancer syndrome (HBOC); Hereditary breast and/or ovarian cancer syndrome; Hereditary breast and ovarian cancer. Identifiers: Orphanet 145, MedGen C0677776, MeSH D061325, MONDO:0003582. Disease mechanism: loss of function.
Breast-ovarian cancer, familial, susceptibility to, 2 (BROVCA2). Also called: BRCA2 Hereditary Breast and Ovarian Cancer. Identifiers: Orphanet 145, MedGen C2675520, MONDO:0012933, OMIM 612555. Disease mechanism: loss of function.
Hereditary cancer-predisposing syndrome. Also called: Hereditary neoplastic syndrome; Neoplastic Syndromes, Hereditary; Hereditary Cancer Syndrome; Tumor predisposition. Identifiers: Orphanet 140162, MedGen C0027672, MeSH D009386, MONDO:0015356.

Allele frequency attached by ClinVar (database versions not stated): gnomAD below 0.00001 and 0.00001; TOPMed below 0.00001; gnomAD exomes 0.00004 and 0.00003; ExAC 0.00006.
gnomAD v4.1: 53 of 1,613,952 alleles (0.0033%); highest among the groups gnomAD compares: South Asian, 0.042%; no homozygotes.

Submissions (16):

German Consortium for Hereditary Breast and Ovarian Cancer, University Hospital Cologne
Classification: Benign for Hereditary breast ovarian cancer syndrome. Last evaluated: 2026-09-08. Review status: criteria provided, single submitter. Criteria: ClinGen BRCA2 1.2.0. Collection method: curation. Allele origin: germline.
Comment: This classification follows the ClinGen ENIGMA BRCA2 v1.2.0 classification scheme; We chose these criteria: BP1 (strong benign): missense variant outside clinically important functional domain AND no splicing predicted (SpliceAI ≤0.1)., BP5 (supporting benign): Combined LR Score 0.28256; PMID 40413188 , BS1 (strong benign): Grpmax Filtering AF 0.0001530 > 0.0001 gnomAD v2.1 (non-cancer, exome)

Labcorp Genetics (formerly Invitae), Labcorp
Classification: Likely benign for Hereditary breast ovarian cancer syndrome. Last evaluated: 2026-01-28. Review status: criteria provided, single submitter. Criteria: Invitae Variant Classification Sherloc (09022015). Collection method: clinical testing. Allele origin: germline.

Women's Health and Genetics/Laboratory Corporation of America, LabCorp
Classification: Likely benign. Last evaluated: 2025-01-15. Review status: criteria provided, single submitter. Criteria: LabCorp Variant Classification Summary - May 2015. Collection method: clinical testing. Allele origin: germline.
Comment: Variant summary: BRCA2 c.3569G>A (p.Arg1190Gln) results in a conservative amino acid change located in the BRCA2 repeat region (IPR002093), positioned between repeat 1 and 2 of the encoded protein sequence. Four of four in-silico tools predict a benign effect of the variant on protein function. In addition, a recent report from the CAGI5 (fifth Critical Assessment of Genome Interpretation) challenge has classified this variant as likely benign in a prediction protocol that includes assessment of the impact of this variant on splicing and protein function using four sets of predictors (Padilla_2019). The variant allele was found at a frequency of 4e-05 in 251012 control chromosomes, almost exclusively reported in individuals of South Asian descent (allele frequency: 0.0003). This frequency is somewhat lower than the estimated maximum expected for a pathogenic variant in BRCA2 causing Hereditary Breast and Ovarian Cancer Syndrome (0.00075), allowing no clear conclusions about variant significance. The variant, c.3569G>A, has been reported in the literature in individuals with personal and/or family history of breast- and/or ovarian cancer (e.g. Davies_2017, So_2019, Park_2021, Dorling_2021), however it was also reported in controls (e.g. Dong_2021, Dorling_2021). These reports do not provide unequivocal conclusions about association of the variant with Hereditary Breast and Ovarian Cancer Syndrome. To our knowledge, no experimental evidence demonstrating an impact on protein function has been reported. However, a large scale study utilizing multifactorial probability model for quantitative analysis of BRCA1 and BRCA2 variants predicted this variant to be likely benign (Parsons_2019). The following publications have been ascertained in the context of this evaluation (PMID: 28288110, 31112341, 34063308, 22811390, 30725392). ClinVar contains an entry for this variant (Variation ID: 37847). Based on the evidence outlined above, the variant was classified as likely benign.

All of Us Research Program, National Institutes of Health
Classification: Likely benign for Breast-ovarian cancer, familial, susceptibility to, 2. Last evaluated: 2023-12-18. Review status: criteria provided, single submitter. Criteria: ACMG Guidelines, 2015. Collection method: clinical testing. Allele origin: germline. Inheritance: Autosomal dominant inheritance. Observed: 8 variant alleles, 8 heterozygotes.
Comment: This study involves interpretation of variants in research participants for the purpose of population health screening. Participant phenotype was not available at the time of variant classification. Additional details can be found in publication PMID: 35346344, PMCID: PMC8962531

Blueprint Genetics
Classification: Likely benign. Last evaluated: 2023-03-23. Review status: criteria provided, single submitter. Criteria: ACMG Guidelines, 2015. Collection method: clinical testing. Allele origin: germline.

University of Washington Department of Laboratory Medicine, University of Washington
Classification: Likely benign for Hereditary cancer-predisposing syndrome. Last evaluated: 2023-03-23. Review status: criteria provided, single submitter. Criteria: Dines et al. (Genet Med. 2020). Collection method: curation. Allele origin: germline.
Comment: Missense variant in a coldspot region where missense variants are very unlikely to be pathogenic (PMID:31911673).

BRCA2 exon 11 coldspot. Reclassification based on statistical prior probability.

Quest Diagnostics Nichols Institute San Juan Capistrano
Classification: Uncertain significance. Last evaluated: 2022-10-06. Review status: criteria provided, single submitter. Criteria: Quest Diagnostics criteria. Collection method: clinical testing. Allele origin: unknown.
Comment: The frequency of this variant in the general population, 0.00029 (9/30606 chromosomes), is uninformative in assessment of its pathogenicity. In the published literature, the variant has been reported in affected individuals with uterine serous carcinoma and breast cancer (PMIDs: 22811390 (2013) and 28288110 (2017)). In a large scale breast cancer association study, the variant was observed in a control individual and in two breast cancer cases (PMID: 33471991 (2021), see also LOVD). Analysis of this variant using bioinformatics tools for the prediction of the effect of amino acid changes on protein structure and function yielded predictions that this variant is benign. Based on the available information, we are unable to determine the clinical significance of this variant.

Department of Pathology and Laboratory Medicine, Sinai Health System
Classification: Likely benign for BRCA2-related cancer predisposition. Last evaluated: 2022-03-09. Review status: criteria provided, single submitter. Criteria: ACMG Guidelines, 2015. Collection method: clinical testing. Allele origin: germline. Affected: no.

GeneDx
Classification: Likely benign. Last evaluated: 2018-05-24. Review status: criteria provided, single submitter. Criteria: GeneDx Variant Classification Process June 2021. Collection method: clinical testing. Allele origin: germline. Affected: yes.
Comment: This variant is associated with the following publications: (PMID: 27135926, 22811390)

Ambry Genetics
Classification: Likely benign for Hereditary cancer-predisposing syndrome. Last evaluated: 2017-12-04. Review status: criteria provided, single submitter. Criteria: Ambry Variant Classification Scheme 2023. Collection method: clinical testing. Allele origin: germline.

Color Diagnostics, LLC DBA Color Health
Classification: Likely benign for Hereditary cancer-predisposing syndrome. Last evaluated: 2017-06-19. Review status: criteria provided, single submitter. Criteria: ACMG Guidelines, 2015. Collection method: clinical testing. Allele origin: germline.

Molecular Endocrinology Laboratory, Christian Medical College
Classification: Uncertain significance for Breast-ovarian cancer, familial, susceptibility to, 2. Review status: criteria provided, single submitter. Criteria: ACMG Guidelines, 2015. Collection method: clinical testing. Allele origin: germline. Affected: yes.

Neuberg Centre For Genomic Medicine, NCGM
Classification: Uncertain significance for Breast-ovarian cancer, familial, susceptibility to, 2. Review status: criteria provided, single submitter. Criteria: ACMG Guidelines, 2015. Collection method: clinical testing. Allele origin: germline. Inheritance: Autosomal dominant inheritance. Affected: yes.
Comment: The missense variant c.3569G>A (p.Arg1190Gln) in BRCA2 gene has not been reported previously as a pathogenic variant nor as a benign variant, to our knowledge. This variant has been reported to the ClinVar database as Uncertain Significance. The p.Arg1190Gln variant is novel (not in any individuals) in 1000 Genomes and allele frequency of 0.003984% is reported in gnomAD. The amino acid Arg at position 1190 is changed to a Gln changing protein sequence and it might alter its composition and physico-chemical properties. In silico tools predict the variant to be tolerated. The residue is conserved across species. The amino acid change p.Arg1190Gln in BRCA2 is predicted as conserved by GERP++ and PhyloP across 100 vertebrates. For these reasons, this variant has been classified as Uncertain Significance .

Counsyl
Classification: Uncertain significance for Breast-ovarian cancer, familial, susceptibility to, 2. Last evaluated: 2015-12-22. Review status: no assertion criteria provided. Collection method: clinical testing. Allele origin: unknown. Not counted in ClinVar's aggregate classification.

Sharing Clinical Reports Project (SCRP)
Classification: Likely benign for Breast-ovarian cancer, familial 2. Last evaluated: 2012-05-01. Review status: no assertion criteria provided. Collection method: clinical testing. Allele origin: germline. Not counted in ClinVar's aggregate classification.

Breast Cancer Information Core (BIC) (BRCA2)
Classification: Uncertain significance for Breast-ovarian cancer, familial 2. Last evaluated: 2003-12-23. Review status: no assertion criteria provided. Collection method: clinical testing. Allele origin: germline. Affected: yes. Observed: 3 variant alleles. Not counted in ClinVar's aggregate classification.

Literature cited by the submitters: PubMed 22811390 (cited by 5 submitters); PubMed 28288110 (cited by Women's Health and Genetics/Laboratory Corporation of America, LabCorp and Quest Diagnostics Nichols Institute San Juan Capistrano); PubMed 31131967 (cited by Women's Health and Genetics/Laboratory Corporation of America, LabCorp); PubMed 30725392 (cited by Women's Health and Genetics/Laboratory Corporation of America, LabCorp); PubMed 31112341 (cited by Women's Health and Genetics/Laboratory Corporation of America, LabCorp); PubMed 33471991 (cited by Women's Health and Genetics/Laboratory Corporation of America, LabCorp and Quest Diagnostics Nichols Institute San Juan Capistrano); PubMed 34063308 (cited by Women's Health and Genetics/Laboratory Corporation of America, LabCorp); PubMed 32467295 (cited by Women's Health and Genetics/Laboratory Corporation of America, LabCorp and Quest Diagnostics Nichols Institute San Juan Capistrano); PubMed 24817641 (cited by Quest Diagnostics Nichols Institute San Juan Capistrano and Counsyl).

NM_000059.4(BRCA2):c.3569G>A (p.Arg1190Gln)

Gene: BRCA2 (BRCA2 DNA repair associated; plus strand). Cytogenetic location: 13q13.1.
Variant type: single nucleotide variant.
Coding change: c.3569G>A on transcript NM_000059.4 (MANE Select); coding-DNA position 3569, G replaced by A.
Protein change: p.Arg1190Gln; replaces arginine 1190 with glutamine.
Molecular consequence: missense variant.
Genome position (GRCh38, 1-based): chr13:32,337,924, G>A. VCF-style: chr13-32337924-G-A. GRCh37 (hg19) VCF-style: chr13-32912061-G-A.
Other names: 3797G>A; short protein forms R1190Q.
Identifiers: ClinVar variation 37847 (VCV000037847.33), dbSNP rs80358605, ClinGen allele CA018360.
Genomic context (GRCh38, chr13:32,337,924, plus strand): 5'-CCCCATCGATTGGTCAGGTAGACAGCAGCAAGCAATTTGAAGGTACAGTTGAAATTAAAC[G>A]GAAGTTTGCTGGCCTGTTGAAAAATGACTGTAACAAAAGTGCTTCTGGTTATTTAACAGA-3'
Protein context (NP_000050.3, residues 1180-1200): KQFEGTVEIK[Arg1190Gln]KFAGLLKNDC